The following is an entry in ClinVar:

NM_080911.3(UNG):c.487C>T (p.His163Tyr)

Gene: UNG (uracil DNA glycosylase; plus strand). Cytogenetic location: 12q24.11.
Variant type: single nucleotide variant.
Coding change: c.487C>T on transcript NM_080911.3 (MANE Select); coding-DNA position 487, C replaced by T.
Protein change: p.His163Tyr; replaces histidine 163 with tyrosine.
Molecular consequence: missense variant.
Genome position (GRCh38, 1-based): chr12:109,101,953, C>T. VCF-style: chr12-109101953-C-T. GRCh37 (hg19) VCF-style: chr12-109539758-C-T.
Other names: c.460C>T, p.His154Tyr (NM_003362.4); short protein forms H154Y, H163Y.
Identifiers: ClinVar variation 2170079 (VCV002170079.3), dbSNP rs1188727621, ClinGen allele CA386471688.

ClinVar aggregate classification (germline): Uncertain significance (1 of 4 stars; one submission).

Conditions:
Hyper-IgM syndrome type 5 (HIGM5). Also called: Hyper-IgM Immunodeficiency Syndrome, Type 5. Identifiers: Orphanet 101092, MedGen C1720958, MONDO:0011971, OMIM 608106.

Submission:

Labcorp Genetics (formerly Invitae), Labcorp
Classification: Uncertain significance for Hyper-IgM syndrome type 5. Last evaluated: 2025-07-17. Review status: criteria provided, single submitter. Criteria: Invitae Variant Classification Sherloc (09022015). Collection method: clinical testing. Allele origin: germline.
Comment: This sequence change replaces histidine, which is basic and polar, with tyrosine, which is neutral and polar, at codon 163 of the UNG protein (p.His163Tyr). This variant is not present in population databases (gnomAD no frequency). This variant has not been reported in the literature in individuals affected with UNG-related conditions. ClinVar contains an entry for this variant (Variation ID: 2170079). Invitae Evidence Modeling of protein sequence and biophysical properties (such as structural, functional, and spatial information, amino acid conservation, physicochemical variation, residue mobility, and thermodynamic stability) indicates that this missense variant is expected to disrupt UNG protein function with a positive predictive value of 80%. In summary, the available evidence is currently insufficient to determine the role of this variant in disease. Therefore, it has been classified as a Variant of Uncertain Significance.